The following is an entry in ClinVar:

NM_002887.4(RARS1):c.1581_1582del (p.Gly528fs)

Gene: RARS1 (arginyl-tRNA synthetase 1; plus strand). Cytogenetic location: 5q34.
Variant type: Microsatellite.
Coding change: c.1581_1582del on transcript NM_002887.4 (MANE Select); coding-DNA positions 1581 to 1582, 2 bases deleted (AG; older notation c.1581_1582delAG).
Protein change: p.Gly528fs; shifts the reading frame from glycine 528.
Molecular consequence: frameshift variant.
Genome position (GRCh38, 1-based): chr5:168,516,906-168,516,907, AG deleted; deleting any 2 consecutive bases within chr5:168,516,904-168,516,907 gives the same sequence; the c. name uses the placement nearest the transcript's 3' end. VCF-style (leftmost placement, unchanged base first): chr5-168516903-CAG-C. GRCh37 (hg19) VCF-style: chr5-167943908-CAG-C.
Other names: short protein forms G528fs.
Identifiers: ClinVar variation 4762124 (VCV004762124.1).

ClinVar aggregate classification (germline): Pathogenic (1 of 4 stars; one submission).

Submission:

Labcorp Genetics (formerly Invitae), Labcorp
Classification: Pathogenic. Last evaluated: 2025-06-23. Review status: criteria provided, single submitter. Criteria: Invitae Variant Classification Sherloc (09022015). Collection method: clinical testing. Allele origin: germline.
Comment: This sequence change creates a premature translational stop signal (p.Gly528Lysfs*12) in the RARS gene. It is expected to result in an absent or disrupted protein product. Loss-of-function variants in RARS are known to be pathogenic (PMID: 24777941). This variant is present in population databases (no rsID available, gnomAD 0.007%). This variant has not been reported in the literature in individuals affected with RARS-related conditions. For these reasons, this variant has been classified as Pathogenic.

Literature cited by the submitters: PubMed 24777941.